The following is an entry in ClinVar:

ClinVar aggregate classification (germline): Uncertain significance (1 of 4 stars; one submission).

Submission:

Women's Health and Genetics/Laboratory Corporation of America, LabCorp
Classification: Uncertain significance. Last evaluated: 2023-09-28. Review status: criteria provided, single submitter. Criteria: LabCorp Variant Classification Summary - May 2015. Collection method: clinical testing. Allele origin: germline.
Comment: Variant summary: COL4A2 c.1754T>C (p.Phe585Ser) results in a non-conservative amino acid change in the encoded protein sequence. Four of five in-silico tools predict a benign effect of the variant on protein function. The variant was absent in 247610 control chromosomes. The available data on variant occurrences in the general population are insufficient to allow any conclusion about variant significance. To our knowledge, no occurrence of c.1754T>C in individuals affected with Porencephaly 2 and no experimental evidence demonstrating its impact on protein function have been reported. No submitters have cited clinical-significance assessments for this variant to ClinVar after 2014. Based on the evidence outlined above, the variant was classified as uncertain significance.

NM_001846.4(COL4A2):c.1754T>C (p.Phe585Ser)

Genes: COL4A2 (collagen type IV alpha 2 chain; plus strand), COL4A2-AS2 (COL4A2 antisense RNA 2; minus strand). Cytogenetic location: 13q34.
Variant type: single nucleotide variant.
Coding change: c.1754T>C on transcript NM_001846.4 (MANE Select); coding-DNA position 1754, T replaced by C.
Protein change: p.Phe585Ser; replaces phenylalanine 585 with serine.
Molecular consequence: missense variant.
Genome position (GRCh38, 1-based): chr13:110,462,362, T>C. VCF-style: chr13-110462362-T-C. GRCh37 (hg19) VCF-style: chr13-111114709-T-C.
Other names: short protein forms F585S.
Identifiers: ClinVar variation 2627347 (VCV002627347.1), dbSNP rs762299284, ClinGen allele CA388738977.